The following is an entry in ClinVar:

ClinVar aggregate classification (germline): Pathogenic (1 of 4 stars; one submission).

Conditions:
Odonto-onycho-dermal dysplasia. Identifiers: Orphanet 2721, MedGen C0796093, MONDO:0009773, OMIM 257980.
Tooth agenesis, selective, 4 (STHAG4). Also called: LATERAL INCISORS, ABSENCE OF; LATERAL INCISORS, PEGGED OR MISSING; SUCCEDANEOUS TEETH, AGENESIS OF; TOOTH AGENESIS, SELECTIVE, 4, WITH OR WITHOUT ECTODERMAL DYSPLASIA. Identifiers: Orphanet 99798, MedGen C1835492, MONDO:0007881, OMIM 150400. Disease mechanism: loss of function.

Submission:

Labcorp Genetics (formerly Invitae), Labcorp
Classification: Pathogenic for Tooth agenesis, selective, 4; Odonto-onycho-dermal dysplasia. Last evaluated: 2023-06-03. Review status: criteria provided, single submitter. Criteria: Invitae Variant Classification Sherloc (09022015). Collection method: clinical testing. Allele origin: germline.
Comment: For these reasons, this variant has been classified as Pathogenic. ClinVar contains an entry for this variant (Variation ID: 1404347). This variant has not been reported in the literature in individuals affected with WNT10A-related conditions. This variant is present in population databases (rs781237311, gnomAD 0.001%). This sequence change creates a premature translational stop signal (p.Leu29Tyrfs*34) in the WNT10A gene. It is expected to result in an absent or disrupted protein product. Loss-of-function variants in WNT10A are known to be pathogenic (PMID: 17847007, 22581971, 25629078).

Literature cited by the submitters: PubMed 17847007; PubMed 22581971; PubMed 25629078.

NM_025216.3(WNT10A):c.85del (p.Leu29fs)

Gene: WNT10A (Wnt family member 10A; plus strand). Cytogenetic location: 2q35.
Variant type: Deletion.
Coding change: c.85del on transcript NM_025216.3 (MANE Select); coding-DNA position 85, one base deleted (C; older notation c.85delC).
Protein change: p.Leu29fs; shifts the reading frame from leucine 29.
Molecular consequence: frameshift variant.
Genome position (GRCh38, 1-based): chr2:218,881,080, C deleted; the last of 2 consecutive C bases (chr2:218,881,079-218,881,080); deleting either gives the same sequence. VCF-style (leftmost placement, unchanged base first): chr2-218881078-TC-T. GRCh37 (hg19) VCF-style: chr2-219745800-TC-T.
Other names: short protein forms L29fs.
Identifiers: ClinVar variation 1404347 (VCV001404347.6), dbSNP rs781237311, ClinGen allele CA2113821.
Genomic context (GRCh38, chr2:218,881,078, plus strand): 5'-CCTGGCTGCGGCTCCGACCCCAGCCCCAGCCGCGGCCAGCGCTCTGGGTGCTCCTGTTCT[TC>T]CTACTGCTGCTGGCTGCTGCCATGCCCAGGTGAGCCCTCACCTCATGCTCCGCCCTCCTA-3'